The following is an entry in ClinVar:

NM_002334.4(LRP4):c.3817C>A (p.Arg1273=)

Gene: LRP4 (LDL receptor related protein 4; minus strand). Cytogenetic location: 11p11.2.
Variant type: single nucleotide variant.
Coding change: c.3817C>A on transcript NM_002334.4 (MANE Select); coding-DNA position 3817, C replaced by A.
Protein change: p.Arg1273=; no amino-acid change (arginine 1273 retained).
Molecular consequence: synonymous variant.
Genome position (GRCh38, 1-based): chr11:46,875,564, G>T on the plus strand (C>A on the coding strand, the complement: LRP4 is on the minus strand). VCF-style: chr11-46875564-G-T. GRCh37 (hg19) VCF-style: chr11-46897115-G-T.
Other names: p.Arg1273=.
Identifiers: ClinVar variation 211405 (VCV000211405.46), dbSNP rs61746928, ClinGen allele CA205956.

ClinVar aggregate classification (germline): Conflicting classifications of pathogenicity. Review status: criteria provided, conflicting classifications (1 of 4 stars). 6 submissions from 6 submitters: Uncertain significance (1); Benign (3); Likely benign (2). Last evaluated 2026-08-01.

Conditions:
Cenani-Lenz syndactyly syndrome. Also called: SYNDACTYLY, TYPE VII; CENANI SYNDACTYLISM. Identifiers: Orphanet 3258, MedGen C1859309, MONDO:0008931, OMIM 212780.
Sclerosteosis 2 (SOST2). Identifiers: Orphanet 3152, MedGen C3280402, MONDO:0013679, OMIM 614305.
Congenital myasthenic syndrome 17. Identifiers: Orphanet 590, MedGen C4225377, MONDO:0014578, OMIM 616304.

Allele frequency attached by ClinVar (database versions not stated): 1000 Genomes Project 30x 0.00062; 1000 Genomes Project 0.00080; TOPMed 0.00214; ESP Exome Variant Server 0.00254; gnomAD 0.00363 and 0.00385.
gnomAD v4.1: 4,799 of 1,614,078 alleles (0.3%); highest among the groups gnomAD compares: Middle Eastern, 0.5%; 23 homozygotes.

Submissions (6):

CeGaT Center for Human Genetics Tuebingen
Classification: Likely benign. Last evaluated: 2026-08-01. Review status: criteria provided, single submitter. Criteria: CeGaT Center For Human Genetics Tuebingen Variant Classification Criteria Version 2. Collection method: clinical testing. Allele origin: germline. Affected: yes. Observed: 13 variant alleles.
Comment: LRP4: BP4, BS2

Labcorp Genetics (formerly Invitae), Labcorp
Classification: Benign for Cenani-Lenz syndactyly syndrome; Sclerosteosis 2; Congenital myasthenic syndrome 17. Last evaluated: 2026-01-31. Review status: criteria provided, single submitter. Criteria: Invitae Variant Classification Sherloc (09022015). Collection method: clinical testing. Allele origin: germline.

Mayo Clinic Laboratories, Mayo Clinic
Classification: Benign. Last evaluated: 2023-05-24. Review status: criteria provided, single submitter. Criteria: ACMG Guidelines, 2015. Collection method: clinical testing. Allele origin: germline. Observed: 4 variant alleles.
Comment: BA1, BP4

GeneDx
Classification: Likely benign. Last evaluated: 2021-09-01. Review status: criteria provided, single submitter. Criteria: GeneDx Variant Classification Process June 2021. Collection method: clinical testing. Allele origin: germline. Affected: yes.

Illumina Laboratory Services, Illumina
Classification: Uncertain significance for Cenani-Lenz syndactyly syndrome. Last evaluated: 2017-04-27. Review status: criteria provided, single submitter. Criteria: ICSL Variant Classification Criteria 13 December 2019. Collection method: clinical testing. Allele origin: germline.

Genetic Services Laboratory, University of Chicago
Classification: Benign. Last evaluated: 2017-02-13. Review status: criteria provided, single submitter. Criteria: ACMG Guidelines, 2015. Collection method: clinical testing. Allele origin: germline. Affected: no.